The following is an entry in ClinVar:

NM_001378454.1(ALMS1):c.6323A>G (p.Glu2108Gly)

Gene: ALMS1 (ALMS1 centrosome and basal body associated protein; plus strand). Cytogenetic location: 2p13.1.
Variant type: single nucleotide variant.
Coding change: c.6323A>G on transcript NM_001378454.1 (MANE Select); coding-DNA position 6323, A replaced by G.
Protein change: p.Glu2108Gly; replaces glutamic acid 2108 with glycine.
Molecular consequence: missense variant.
Genome position (GRCh38, 1-based): chr2:73,452,850, A>G. VCF-style: chr2-73452850-A-G. GRCh37 (hg19) VCF-style: chr2-73679977-A-G.
Other names: c.6326A>G, p.Glu2109Gly (NM_015120.4); short protein forms E2109G, E2108G.
Identifiers: ClinVar variation 1752870 (VCV001752870.4), dbSNP rs1041224047, ClinGen allele CA50397695.

ClinVar aggregate classification (germline): Uncertain significance. Review status: criteria provided, multiple submitters, no conflicts (2 of 4 stars). 2 submissions from 2 submitters: Uncertain significance (2). Last evaluated 2023-06-07.

Conditions:
Alstrom syndrome (ALMS). Identifiers: Orphanet 64, MedGen C0268425, MONDO:0008763, OMIM 203800.
Cardiovascular phenotype. Identifiers: MedGen CN230736.

Allele frequency attached by ClinVar (database versions not stated): gnomAD exomes 0.00002.
gnomAD v4.1: 32 of 1,613,900 alleles (0.002%); highest among the groups gnomAD compares: Non-Finnish European, 0.0025%; no homozygotes.

Submissions (2):

Ambry Genetics
Classification: Uncertain significance for Cardiovascular phenotype. Last evaluated: 2023-06-07. Review status: criteria provided, single submitter. Criteria: Ambry Variant Classification Scheme 2023. Collection method: clinical testing. Allele origin: germline.

Labcorp Genetics (formerly Invitae), Labcorp
Classification: Uncertain significance for Alstrom syndrome. Last evaluated: 2022-08-01. Review status: criteria provided, single submitter. Criteria: Invitae Variant Classification Sherloc (09022015). Collection method: clinical testing. Allele origin: germline.
Comment: This sequence change replaces glutamic acid, which is acidic and polar, with glycine, which is neutral and non-polar, at codon 2109 of the ALMS1 protein (p.Glu2109Gly). This variant is present in population databases (no rsID available, gnomAD 0.002%). This variant has not been reported in the literature in individuals affected with ALMS1-related conditions. Experimental studies and prediction algorithms are not available or were not evaluated, and the functional significance of this variant is currently unknown. In summary, the available evidence is currently insufficient to determine the role of this variant in disease. Therefore, it has been classified as a Variant of Uncertain Significance.